The following is an entry in ClinVar:

NM_001330700.2(TOP2B):c.4474_4489+40dup

Gene: TOP2B (DNA topoisomerase II beta; minus strand). Cytogenetic location: 3p24.2.
Variant type: Duplication.
Coding change: c.4474_4489+40dup on transcript NM_001330700.2 (MANE Select); coding-DNA position 4474 through 40 bases into the intron after coding-DNA position 4489, 56 bases duplicated.
Molecular consequence: splice donor variant.
Genome position (GRCh38, 1-based): chr3:25,604,720-25,604,775, 56 bases duplicated. GRCh37 (hg19): chr3:25,646,212-25,646,267.
Other names: c.4459_4474+40dup (NM_001068.3).
Identifiers: ClinVar variation 3694008 (VCV003694008.2).

ClinVar aggregate classification (germline): Uncertain significance (1 of 4 stars; one submission).

Submission:

Labcorp Genetics (formerly Invitae), Labcorp
Classification: Uncertain significance. Last evaluated: 2024-09-16. Review status: criteria provided, single submitter. Criteria: Invitae Variant Classification Sherloc (09022015). Collection method: clinical testing. Allele origin: germline.
Comment: This sequence change falls in intron 33 of the TOP2B gene. It does not directly change the encoded amino acid sequence of the TOP2B protein. This variant is present in population databases (no rsID available, gnomAD 0.002%). This variant has not been reported in the literature in individuals affected with TOP2B-related conditions. Experimental studies and prediction algorithms are not available or were not evaluated, and the effect of this variant on mRNA splicing is currently unknown. In summary, the available evidence is currently insufficient to determine the role of this variant in disease. Therefore, it has been classified as a Variant of Uncertain Significance.